The following is an entry in ClinVar:

ClinVar aggregate classification (germline): Uncertain significance (1 of 4 stars; one submission).

Conditions:
Succinate-semialdehyde dehydrogenase deficiency (SSADHD). Also called: 4-HYDROXYBUTYRIC ACIDURIA; Succinic Semialdehyde Dehydrogenase Deficiency; GABA METABOLIC DEFECT; SSADH DEFICIENCY. Identifiers: Orphanet 22, MedGen C0268631, MONDO:0010083, OMIM 271980.

Allele frequency attached by ClinVar (database versions not stated): TOPMed below 0.00001.

Submission:

Labcorp Genetics (formerly Invitae), Labcorp
Classification: Uncertain significance for Succinate-semialdehyde dehydrogenase deficiency. Last evaluated: 2022-06-14. Review status: criteria provided, single submitter. Criteria: Invitae Variant Classification Sherloc (09022015). Collection method: clinical testing. Allele origin: germline.
Comment: This sequence change replaces proline, which is neutral and non-polar, with threonine, which is neutral and polar, at codon 229 of the ALDH5A1 protein (p.Pro229Thr). This variant is not present in population databases (gnomAD no frequency). This variant has not been reported in the literature in individuals affected with ALDH5A1-related conditions. Advanced modeling of protein sequence and biophysical properties (such as structural, functional, and spatial information, amino acid conservation, physicochemical variation, residue mobility, and thermodynamic stability) performed at Invitae indicates that this missense variant is expected to disrupt ALDH5A1 protein function. In summary, the available evidence is currently insufficient to determine the role of this variant in disease. Therefore, it has been classified as a Variant of Uncertain Significance.

NM_001080.3(ALDH5A1):c.685C>A (p.Pro229Thr)

Gene: ALDH5A1 (aldehyde dehydrogenase 5 family member A1; plus strand). Cytogenetic location: 6p22.3.
Variant type: single nucleotide variant.
Coding change: c.685C>A on transcript NM_001080.3 (MANE Select); coding-DNA position 685, C replaced by A.
Protein change: p.Pro229Thr; replaces proline 229 with threonine.
Molecular consequence: missense variant.
Genome position (GRCh38, 1-based): chr6:24,504,944, C>A. VCF-style: chr6-24504944-C-A. GRCh37 (hg19) VCF-style: chr6-24505172-C-A.
Other names: c.685C>A, p.Pro229Thr (NM_001368954.1, NM_170740.1); short protein forms P229T.
Identifiers: ClinVar variation 2006102 (VCV002006102.1), dbSNP rs1759309075, ClinGen allele CA362970128.